The following is an entry in ClinVar:

NM_018124.4(RFWD3):c.1244G>A (p.Arg415Lys)

Gene: RFWD3 (ring finger and WD repeat domain 3; minus strand). Cytogenetic location: 16q23.1.
Variant type: single nucleotide variant.
Coding change: c.1244G>A on transcript NM_018124.4 (MANE Select); coding-DNA position 1244, G replaced by A.
Protein change: p.Arg415Lys; replaces arginine 415 with lysine.
Molecular consequence: missense variant.
Genome position (GRCh38, 1-based): chr16:74,636,528, C>T on the plus strand (G>A on the coding strand, the complement: RFWD3 is on the minus strand). VCF-style: chr16-74636528-C-T. GRCh37 (hg19) VCF-style: chr16-74670426-C-T.
Other names: c.1244G>A, p.Arg415Lys (NM_001370534.1, NM_001370535.1, NM_001370536.1); c.410G>A, p.Arg137Lys (NM_001370537.1, NM_001370539.1, NM_001370540.1 and 2 more transcripts); short protein forms R415K, R137K.
Identifiers: ClinVar variation 3707669 (VCV003707669.2).

ClinVar aggregate classification (germline): Uncertain significance (1 of 4 stars; one submission).

gnomAD v4.1: 3 of 1,613,912 alleles (0.00019%); highest among the groups gnomAD compares: Admixed American, 0.0017%; no homozygotes.

Submission:

Labcorp Genetics (formerly Invitae), Labcorp
Classification: Uncertain significance. Last evaluated: 2024-10-11. Review status: criteria provided, single submitter. Criteria: Invitae Variant Classification Sherloc (09022015). Collection method: clinical testing. Allele origin: germline.
Comment: This sequence change replaces arginine, which is basic and polar, with lysine, which is basic and polar, at codon 415 of the RFWD3 protein (p.Arg415Lys). This variant is present in population databases (no rsID available, gnomAD 0.003%). This variant has not been reported in the literature in individuals affected with RFWD3-related conditions. An algorithm developed to predict the effect of missense changes on protein structure and function outputs the following: PolyPhen-2: "Benign". The lysine amino acid residue is found in multiple mammalian species, which suggests that this missense change does not adversely affect protein function. In summary, the available evidence is currently insufficient to determine the role of this variant in disease. Therefore, it has been classified as a Variant of Uncertain Significance.